The following is an entry in ClinVar:

ClinVar aggregate classification (germline): Uncertain significance (1 of 4 stars; one submission).

gnomAD v4.1: 1 of 1,582,346 alleles (0.000063%); highest among the groups gnomAD compares: Non-Finnish European, 0.000085%; no homozygotes.

Submission:

Labcorp Genetics (formerly Invitae), Labcorp
Classification: Uncertain significance. Last evaluated: 2026-01-01. Review status: criteria provided, single submitter. Criteria: Invitae Variant Classification Sherloc (09022015). Collection method: clinical testing. Allele origin: germline.
Comment: This sequence change affects codon 531 of the ERBIN mRNA. It is a 'silent' change, meaning that it does not change the encoded amino acid sequence of the ERBIN protein. This variant is not present in population databases (gnomAD no frequency). This variant has not been reported in the literature in individuals affected with ERBIN-related conditions. ClinVar contains an entry for this variant (Variation ID: 2804232). Algorithms developed to predict the effect of sequence changes on RNA splicing suggest that this variant may create or strengthen a splice site. In summary, the available evidence is currently insufficient to determine the role of this variant in disease. Therefore, it has been classified as a Variant of Uncertain Significance.

NM_001253697.2(ERBIN):c.1593G>A (p.Val531=)

Gene: ERBIN (erbb2 interacting protein; plus strand). Cytogenetic location: 5q12.3.
Variant type: single nucleotide variant.
Coding change: c.1593G>A on transcript NM_001253697.2 (MANE Select); coding-DNA position 1593, G replaced by A.
Protein change: p.Val531=; no amino-acid change (valine 531 retained).
Molecular consequence: synonymous variant. On other transcripts: intron variant (1).
Genome position (GRCh38, 1-based): chr5:66,044,301, G>A. VCF-style: chr5-66044301-G-A. GRCh37 (hg19) VCF-style: chr5-65340129-G-A.
Other names: c.1593G>A, p.Val531= (NM_001006600.3, NM_001253698.2, NM_001253699.2 and 1 more transcripts); c.1590+3G>A (NM_001253701.2).
Identifiers: ClinVar variation 2804232 (VCV002804232.3), dbSNP rs988750920, ClinGen allele CA444483790.